The following is an entry in ClinVar:

ClinVar aggregate classification (germline): Likely benign. Review status: criteria provided, multiple submitters, no conflicts (2 of 4 stars). 2 submissions from 2 submitters: Likely benign (2). Last evaluated 2024-09-06.

Allele frequency attached by ClinVar (database versions not stated): ExAC 0.00001; gnomAD 0.00001; TOPMed 0.00001; gnomAD exomes 0.00002.

Submissions (2):

Labcorp Genetics (formerly Invitae), Labcorp
Classification: Likely benign. Last evaluated: 2024-09-06. Review status: criteria provided, single submitter. Criteria: Invitae Variant Classification Sherloc (09022015). Collection method: clinical testing. Allele origin: germline.

CeGaT Center for Human Genetics Tuebingen
Classification: Likely benign. Last evaluated: 2022-10-01. Review status: criteria provided, single submitter. Criteria: CeGaT Center For Human Genetics Tuebingen Variant Classification Criteria Version 2. Collection method: clinical testing. Allele origin: germline. Affected: yes. Observed: 1 variant allele.
Comment: MAGEL2: BP4, BP7

NM_019066.5(MAGEL2):c.2559C>G (p.Thr853=)

Gene: MAGEL2 (MAGE family member L2; minus strand). Cytogenetic location: 15q11.2.
Variant type: single nucleotide variant.
Coding change: c.2559C>G on transcript NM_019066.5 (MANE Select); coding-DNA position 2559, C replaced by G.
Protein change: p.Thr853=; no amino-acid change (threonine 853 retained).
Molecular consequence: synonymous variant.
Genome position (GRCh38, 1-based): chr15:23,645,184, G>C on the plus strand (C>G on the coding strand, the complement: MAGEL2 is on the minus strand). VCF-style: chr15-23645184-G-C. GRCh37 (hg19) VCF-style: chr15-23890331-G-C.
Identifiers: ClinVar variation 2182408 (VCV002182408.28), dbSNP rs753766028, ClinGen allele CA7429877.